The following is an entry in ClinVar:

ClinVar aggregate classification (germline): Uncertain significance (1 of 4 stars; one submission).

Conditions:
Primary ciliary dyskinesia. Also called: Ciliary dyskinesia. Identifiers: Orphanet 244, MedGen C0008780, MONDO:0016575, HP:0012265.

Allele frequency attached by ClinVar (database versions not stated): gnomAD exomes below 0.00001; TOPMed below 0.00001.
gnomAD v4.1: 2 of 1,613,932 alleles (0.00012%); highest among the groups gnomAD compares: South Asian, 0.0011%; no homozygotes.

Submission:

Labcorp Genetics (formerly Invitae), Labcorp
Classification: Uncertain significance for Primary ciliary dyskinesia. Last evaluated: 2022-03-01. Review status: criteria provided, single submitter. Criteria: Invitae Variant Classification Sherloc (09022015). Collection method: clinical testing. Allele origin: germline.
Comment: In summary, the available evidence is currently insufficient to determine the role of this variant in disease. Therefore, it has been classified as a Variant of Uncertain Significance. Advanced modeling of protein sequence and biophysical properties (such as structural, functional, and spatial information, amino acid conservation, physicochemical variation, residue mobility, and thermodynamic stability) performed at Invitae indicates that this missense variant is not expected to disrupt DNAH11 protein function. This variant has not been reported in the literature in individuals affected with DNAH11-related conditions. This variant is not present in population databases (gnomAD no frequency). This sequence change replaces alanine, which is neutral and non-polar, with threonine, which is neutral and polar, at codon 1066 of the DNAH11 protein (p.Ala1066Thr).

NM_001277115.2(DNAH11):c.3196G>A (p.Ala1066Thr)

Genes: DNAH11 (dynein axonemal heavy chain 11; plus strand), LOC126859961 (BRD4-independent group 4 enhancer GRCh37_chr7:21639662-21640861; plus strand). Cytogenetic location: 7p15.3.
Variant type: single nucleotide variant.
Coding change: c.3196G>A on transcript NM_001277115.2 (MANE Select); coding-DNA position 3196, G replaced by A.
Protein change: p.Ala1066Thr; replaces alanine 1066 with threonine.
Molecular consequence: missense variant.
Genome position (GRCh38, 1-based): chr7:21,600,871, G>A. VCF-style: chr7-21600871-G-A. GRCh37 (hg19) VCF-style: chr7-21640489-G-A.
Other names: c.3196G>A, p.Ala1066Thr (NM_003777.3); short protein forms A1066T.
Identifiers: ClinVar variation 2099858 (VCV002099858.4), dbSNP rs1785056678, ClinGen allele CA366945312.